The following is an entry in ClinVar:

NM_003072.5(SMARCA4):c.3409A>T (p.Met1137Leu)

Gene: SMARCA4 (SWI/SNF related BAF chromatin remodeling complex subunit ATPase 4; plus strand). Cytogenetic location: 19p13.2.
Variant type: single nucleotide variant.
Coding change: c.3409A>T on transcript NM_003072.5 (MANE Select); coding-DNA position 3409, A replaced by T.
Protein change: p.Met1137Leu; replaces methionine 1137 with leucine.
Molecular consequence: missense variant. On other transcripts: non-coding transcript variant (1).
Genome position (GRCh38, 1-based): chr19:11,030,756, A>T. VCF-style: chr19-11030756-A-T. GRCh37 (hg19) VCF-style: chr19-11141432-A-T.
Other names: c.3409A>T, p.Met1137Leu (NM_001128844.3, NM_001128845.2, NM_001128846.2 and 6 more transcripts); short protein forms M1137L.
Identifiers: ClinVar variation 3233104 (VCV003233104.1), dbSNP rs1194707294, ClinGen allele CA404062594.
Genomic context (GRCh38, chr19:11,030,756, plus strand): 5'-CCCCGCTGACCCTGTTCTCCTCTGTGCCCGTCAGGAACCACGAAGGCGGAGGACCGGGGC[A>T]TGCTGCTGAAAACCTTCAACGAGCCCGGCTCTGAGTACTTCATCTTCCTGCTCAGCACCC-3'
Protein context (NP_003063.2, residues 1127-1147): DGTTKAEDRG[Met1137Leu]LLKTFNEPGS

ClinVar aggregate classification (germline): Uncertain significance (1 of 4 stars; one submission).

Conditions:
Hereditary cancer-predisposing syndrome. Also called: Neoplastic Syndromes, Hereditary; Tumor predisposition; Hereditary neoplastic syndrome; Hereditary Cancer Syndrome. Identifiers: Orphanet 140162, MedGen C0027672, MeSH D009386, MONDO:0015356.

Submission:

Ambry Genetics
Classification: Uncertain significance for Hereditary cancer-predisposing syndrome. Last evaluated: 2024-02-07. Review status: criteria provided, single submitter. Criteria: Ambry Variant Classification Scheme 2023. Collection method: clinical testing. Allele origin: germline.
Comment: The p.M1137L variant (also known as c.3409A>T), located in coding exon 24 of the SMARCA4 gene, results from an A to T substitution at nucleotide position 3409. The methionine at codon 1137 is replaced by leucine, an amino acid with highly similar properties. This amino acid position is well conserved in available vertebrate species. In addition, this alteration is predicted to be tolerated by in silico analysis. Based on the available evidence, the clinical significance of this alteration remains unclear.